The following is an entry in ClinVar:

NM_003073.5(SMARCB1):c.22A>G (p.Lys8Glu)

Gene: SMARCB1 (SWI/SNF related BAF chromatin remodeling complex subunit B1; plus strand). Cytogenetic location: 22q11.23.
Variant type: single nucleotide variant.
Coding change: c.22A>G on transcript NM_003073.5 (MANE Select); coding-DNA position 22, A replaced by G.
Protein change: p.Lys8Glu; replaces lysine 8 with glutamic acid.
Molecular consequence: missense variant.
Genome position (GRCh38, 1-based): chr22:23,787,191, A>G. VCF-style: chr22-23787191-A-G. GRCh37 (hg19) VCF-style: chr22-24129378-A-G.
Other names: c.22A>G, p.Lys8Glu (NM_001007468.3, NM_001317946.2, NM_001362877.2); short protein forms K8E.
Identifiers: ClinVar variation 1379500 (VCV001379500.6), dbSNP rs2145951968, ClinGen allele CA410930515.

ClinVar aggregate classification (germline): Uncertain significance (1 of 4 stars; one submission).

Allele frequency attached by ClinVar (database versions not stated): gnomAD exomes below 0.00001.
gnomAD v4.1: 1 of 1,608,644 alleles (0.000062%); highest among the groups gnomAD compares: Non-Finnish European, 0.000085%; no homozygotes.

Submission:

Labcorp Genetics (formerly Invitae), Labcorp
Classification: Uncertain significance. Last evaluated: 2021-09-04. Review status: criteria provided, single submitter. Criteria: Invitae Variant Classification Sherloc (09022015). Collection method: clinical testing. Allele origin: germline.
Comment: In summary, the available evidence is currently insufficient to determine the role of this variant in disease. Therefore, it has been classified as a Variant of Uncertain Significance. Algorithms developed to predict the effect of missense changes on protein structure and function (SIFT, PolyPhen-2, Align-GVGD) all suggest that this variant is likely to be tolerated. This variant has not been reported in the literature in individuals affected with SMARCB1-related conditions. This variant is not present in population databases (ExAC no frequency). This sequence change replaces lysine with glutamic acid at codon 8 of the SMARCB1 protein (p.Lys8Glu). The lysine residue is moderately conserved and there is a small physicochemical difference between lysine and glutamic acid.